The following is an entry in ClinVar:

ClinVar aggregate classification (germline): Pathogenic (1 of 4 stars; one submission).

Submission:

Labcorp Genetics (formerly Invitae), Labcorp
Classification: Pathogenic. Last evaluated: 2019-07-31. Review status: criteria provided, single submitter. Criteria: Invitae Variant Classification Sherloc (09022015). Collection method: clinical testing. Allele origin: germline.
Comment: A gross deletion of the genomic region encompassing the full coding sequence of the MERTK gene has been identified. The boundaries of this event are unknown as the deletion extends beyond the assayed region for this gene and therefore may encompass additional genes. A similar deletion has been observed in an individual affected with retinitis pigmentosa (PMID: 30557390). Loss-of-function variants in MERTK are known to be pathogenic (PMID: 11592982, 19956407, 24265693, 26263531, 29659094). For these reasons, this variant has been classified as Pathogenic.

Literature cited by the submitters: PubMed 30557390.

NC_000002.12:g.(?_111818840)_(112028864_?)del

Genes: ANAPC1 (anaphase promoting complex subunit 1; minus strand), MERTK (MER proto-oncogene, tyrosine kinase; plus strand). Cytogenetic location: 2q13.
Variant type: Deletion.
Identifiers: ClinVar variation 831508 (VCV000831508.1).